The following is an entry in ClinVar:

NM_001376.5(DYNC1H1):c.3748G>A (p.Val1250Met)

Gene: DYNC1H1 (dynein cytoplasmic 1 heavy chain 1; plus strand). Cytogenetic location: 14q32.31.
Variant type: single nucleotide variant.
Coding change: c.3748G>A on transcript NM_001376.5 (MANE Select); coding-DNA position 3748, G replaced by A.
Protein change: p.Val1250Met; replaces valine 1250 with methionine.
Molecular consequence: missense variant.
Genome position (GRCh38, 1-based): chr14:101,997,218, G>A. VCF-style: chr14-101997218-G-A. GRCh37 (hg19) VCF-style: chr14-102463555-G-A.
Other names: short protein forms V1250M.
Identifiers: ClinVar variation 2058697 (VCV002058697.5), dbSNP rs369914512, ClinGen allele CA7352070.
Genomic context (GRCh38, chr14:101,997,218, plus strand): 5'-TCTGCCATTCAGCAGCAGGTGGCAAACCTGCAAATGAAGATTGTCCAGGAGGATCGGGCC[G>A]TGGAAAGCCGCACCACCGACCTGCTGACTGACTGGGAGAAGACCAAGCCTGTCACGGTGA-3'
Protein context (NP_001367.2, residues 1240-1260): QMKIVQEDRA[Val1250Met]ESRTTDLLTD

ClinVar aggregate classification (germline): Uncertain significance. Review status: criteria provided, multiple submitters, no conflicts (2 of 4 stars). 2 submissions from 2 submitters: Uncertain significance (2). Last evaluated 2025-10-08.

Conditions:
Charcot-Marie-Tooth disease axonal type 2O. Also called: CHARCOT-MARIE-TOOTH NEUROPATHY, AXONAL, TYPE 2O; CHARCOT-MARIE-TOOTH DISEASE, AXONAL, AUTOSOMAL DOMINANT, TYPE 2O; Charcot-Marie-Tooth Neuropathy Type 2O; Charcot-Marie-Tooth disease, axonal, type 20. Identifiers: Orphanet 284232, MedGen C3280220, MONDO:0013644, OMIM 614228.

Allele frequency attached by ClinVar (database versions not stated): ESP Exome Variant Server 0.00008.
gnomAD v4.1: 17 of 1,613,934 alleles (0.0011%); highest among the groups gnomAD compares: Admixed American, 0.0017%; no homozygotes.

Submissions (2):

Labcorp Genetics (formerly Invitae), Labcorp
Classification: Uncertain significance for Charcot-Marie-Tooth disease axonal type 2O. Last evaluated: 2025-10-08. Review status: criteria provided, single submitter. Criteria: Invitae Variant Classification Sherloc (09022015). Collection method: clinical testing. Allele origin: germline.
Comment: This sequence change replaces valine, which is neutral and non-polar, with methionine, which is neutral and non-polar, at codon 1250 of the DYNC1H1 protein (p.Val1250Met). This variant is present in population databases (rs369914512, gnomAD 0.002%). This missense change has been observed in individual(s) with amyotrophic lateral sclerosis (PMID: 32397312). ClinVar contains an entry for this variant (Variation ID: 2058697). Invitae Evidence Modeling of protein sequence and biophysical properties (such as structural, functional, and spatial information, amino acid conservation, physicochemical variation, residue mobility, and thermodynamic stability) indicates that this missense variant is expected to disrupt DYNC1H1 protein function with a positive predictive value of 95%. In summary, the available evidence is currently insufficient to determine the role of this variant in disease. Therefore, it has been classified as a Variant of Uncertain Significance.

GeneDx
Classification: Uncertain significance. Last evaluated: 2022-09-26. Review status: criteria provided, single submitter. Criteria: GeneDx Variant Classification Process June 2021. Collection method: clinical testing. Allele origin: germline. Affected: yes.
Comment: In silico analysis supports that this missense variant has a deleterious effect on protein structure/function; Reported in an individual with amyotrophic lateral sclerosis (Scarlino S et al., 2020); This variant is associated with the following publications: (PMID: 32397312)

Literature cited by the submitters: PubMed 32397312 (cited by Labcorp Genetics (formerly Invitae), Labcorp).